The following is an entry in ClinVar:

ClinVar aggregate classification (germline): Uncertain significance (1 of 4 stars; one submission).

Allele frequency attached by ClinVar (database versions not stated): gnomAD exomes 0.00001.
gnomAD v4.1: 19 of 1,614,094 alleles (0.0012%); highest among the groups gnomAD compares: East Asian, 0.0022%; no homozygotes.

Submission:

Labcorp Genetics (formerly Invitae), Labcorp
Classification: Uncertain significance. Last evaluated: 2022-02-06. Review status: criteria provided, single submitter. Criteria: Invitae Variant Classification Sherloc (09022015). Collection method: clinical testing. Allele origin: germline.
Comment: This sequence change replaces arginine, which is basic and polar, with tryptophan, which is neutral and slightly polar, at codon 513 of the GRHL2 protein (p.Arg513Trp). In summary, the available evidence is currently insufficient to determine the role of this variant in disease. Therefore, it has been classified as a Variant of Uncertain Significance. Algorithms developed to predict the effect of missense changes on protein structure and function are either unavailable or do not agree on the potential impact of this missense change (SIFT: "Deleterious"; PolyPhen-2: "Probably Damaging"; Align-GVGD: "Class C0"). This variant has not been reported in the literature in individuals affected with GRHL2-related conditions. This variant is present in population databases (rs753005094, gnomAD 0.003%).

NM_024915.4(GRHL2):c.1537C>T (p.Arg513Trp)

Genes: GRHL2 (grainyhead like transcription factor 2; plus strand), LOC126860461 (CDK7 strongly-dependent group 2 enhancer GRCh37_chr8:102655529-102656728; plus strand). Cytogenetic location: 8q22.3.
Variant type: single nucleotide variant.
Coding change: c.1537C>T on transcript NM_024915.4 (MANE Select); coding-DNA position 1537, C replaced by T.
Protein change: p.Arg513Trp; replaces arginine 513 with tryptophan.
Molecular consequence: missense variant.
Genome position (GRCh38, 1-based): chr8:101,644,150, C>T. VCF-style: chr8-101644150-C-T. GRCh37 (hg19) VCF-style: chr8-102656378-C-T.
Other names: c.1489C>T, p.Arg497Trp (NM_001330593.2); short protein forms R513W, R497W.
Identifiers: ClinVar variation 1978060 (VCV001978060.5), dbSNP rs753005094, ClinGen allele CA182436723.